The following is an entry in ClinVar:

ClinVar aggregate classification (germline): Pathogenic (1 of 4 stars; one submission).

Conditions:
Deafness-lymphedema-leukemia syndrome. Also called: Emberger syndrome; Lymphedema, primary, with myelodysplasia. Identifiers: Orphanet 3226, MedGen C3279664, MONDO:0013540, OMIM 614038.
GATA2 deficiency with susceptibility to MDS/AML. Identifiers: MedGen CN300066, MONDO:0042982.

Submission:

Molecular Pathology Research Laboratory, SA Pathology
Classification: Pathogenic for GATA2 deficiency with susceptibility to MDS/AML; Deafness-lymphedema-leukemia syndrome. Last evaluated: 2021-07-06. Review status: criteria provided, single submitter. Criteria: ACMG Guidelines, 2015. Collection method: curation. Allele origin: unknown. Inheritance: Autosomal dominant inheritance. Affected: yes. Observed: 3 variant alleles. Clinical features observed: Myelodysplasia, Acute Myeloid Leukemia.
Comment: PVS1, PS4_Moderate, PM2

Literature cited by the submitters: PubMed 26702063; PubMed 31340620.

NM_032638.5(GATA2):c.303del (p.Ala103fs)

Gene: GATA2 (GATA binding protein 2; minus strand). Cytogenetic location: 3q21.3.
Variant type: Deletion.
Coding change: c.303del on transcript NM_032638.5 (MANE Select); coding-DNA position 303, one base deleted (C; older notation c.303delC).
Protein change: p.Ala103fs; shifts the reading frame from alanine 103.
Molecular consequence: frameshift variant.
Genome position (GRCh38, 1-based): chr3:128,486,295, G deleted on the plus strand (C on the coding strand, the reverse complement: GATA2 is on the minus strand). VCF-style (leftmost placement, unchanged base first): chr3-128486294-TG-T. GRCh37 (hg19) VCF-style: chr3-128205137-TG-T.
Other names: c.303del, p.Ala103fs (NM_001145661.2, NM_001145662.1); short protein forms A103fs.
Identifiers: ClinVar variation 1184173 (VCV001184173.1), dbSNP rs2107672881, ClinGen allele CA1139532779.